The following is an entry in ClinVar:

ClinVar aggregate classification (germline): Pathogenic (1 of 4 stars; one submission).

Conditions:
Donnai-Barrow syndrome. Also called: DBS/FOAR SYNDROME; FACIOOCULOACOUSTICORENAL SYNDROME. Identifiers: Orphanet 2143, MedGen C1857277, MONDO:0009104, OMIM 222448.

Submission:

Myriad Genetics, Inc.
Classification: Pathogenic for Donnai-Barrow syndrome. Last evaluated: 2025-05-28. Review status: criteria provided, single submitter. Criteria: Myriad Autosomal Dominant, Autosomal Recessive and X-Linked Classification Criteria (2023). Collection method: clinical testing. Allele origin: unknown.
Comment: NM_004525.2(LRP2):c.9426delG(K3142Nfs*29) is expected to be pathogenic in the context of Donnai-Barrow syndrome. This variant is predicted to lead to an abnormal or absent protein product due to the creation of a premature termination codon in LRP2, a gene where loss-of-function variants are known to be pathogenic. Please note: this variant was assessed in the context of healthy population screening.

NM_004525.3(LRP2):c.9426del (p.Lys3142fs)

Gene: LRP2 (LDL receptor related protein 2; minus strand). Cytogenetic location: 2q31.1.
Variant type: Deletion.
Coding change: c.9426del on transcript NM_004525.3 (MANE Select); coding-DNA position 9426, one base deleted (G; older notation c.9426delG).
Protein change: p.Lys3142fs; shifts the reading frame from lysine 3142.
Molecular consequence: frameshift variant.
Genome position (GRCh38, 1-based): chr2:169,185,922, C deleted on the plus strand (G on the coding strand, the reverse complement: LRP2 is on the minus strand). VCF-style (leftmost placement, unchanged base first): chr2-169185921-GC-G. GRCh37 (hg19) VCF-style: chr2-170042431-GC-G.
Other names: short protein forms K3142fs.
Identifiers: ClinVar variation 5014531 (VCV005014531.1).
Genomic context (GRCh38, chr2:169,185,921, plus strand): 5'-AGACAAAAGGCATCTCTGTGCATTCATCAATATCAACACAAGTCCGCTTGTCAGACATGA[GC>G]TTGTAACCAGGACGACAGGAACAATAGAAACTGGTTAAGGTGTCTGTGCAGTTGTGATCG-3'